The following is an entry in ClinVar:

NM_024334.3(TMEM43):c.162+227A>G

Gene: TMEM43 (transmembrane protein 43; plus strand). Cytogenetic location: 3p25.1.
Variant type: single nucleotide variant.
Coding change: c.162+227A>G on transcript NM_024334.3 (MANE Select); 227 bases into the intron after coding-DNA position 162, A replaced by G.
Molecular consequence: intron variant.
Genome position (GRCh38, 1-based): chr3:14,129,788, A>G. VCF-style: chr3-14129788-A-G. GRCh37 (hg19) VCF-style: chr3-14171288-A-G.
Identifiers: ClinVar variation 679492 (VCV000679492.2), dbSNP rs147094114, ClinGen allele CA69728640.

ClinVar aggregate classification (germline): Likely benign. Review status: criteria provided, multiple submitters, no conflicts (2 of 4 stars). 2 submissions from 2 submitters: Likely benign (2). Last evaluated 2018-06-16.

Allele frequency attached by ClinVar (database versions not stated): gnomAD 0.00691 and 0.00741; TOPMed 0.00717; 1000 Genomes Project 0.00839; 1000 Genomes Project 30x 0.00874.

Submissions (2):

GeneDx
Classification: Likely benign. Last evaluated: 2018-06-16. Review status: criteria provided, single submitter. Criteria: GeneDx Variant Classification (06012015). Collection method: clinical testing. Allele origin: germline. Affected: yes.
Comment: This variant is considered likely benign or benign based on one or more of the following criteria: it is a conservative change, it occurs at a poorly conserved position in the protein, it is predicted to be benign by multiple in silico algorithms, and/or has population frequency not consistent with disease.

Breakthrough Genomics
Classification: Likely benign. Review status: criteria provided, single submitter. Criteria: ACMG Guidelines, 2015. Collection method: not provided. Allele origin: germline. Inheritance: Autosomal dominant inheritance. Affected: yes.